The following is an entry in ClinVar:

ClinVar aggregate classification (germline): Uncertain significance (1 of 4 stars; one submission).

Conditions:
EGFR-related lung cancer (EGFR). Identifiers: MedGen CN130014.

Submission:

Labcorp Genetics (formerly Invitae), Labcorp
Classification: Uncertain significance for EGFR-related lung cancer. Last evaluated: 2024-09-08. Review status: criteria provided, single submitter. Criteria: Invitae Variant Classification Sherloc (09022015). Collection method: clinical testing. Allele origin: germline.
Comment: This sequence change replaces threonine, which is neutral and polar, with lysine, which is basic and polar, at codon 302 of the EGFR protein (p.Thr302Lys). This variant is not present in population databases (gnomAD no frequency). This variant has not been reported in the literature in individuals affected with EGFR-related conditions. An algorithm developed to predict the effect of missense changes on protein structure and function (PolyPhen-2) suggests that this variant is likely to be disruptive. In summary, the available evidence is currently insufficient to determine the role of this variant in disease. Therefore, it has been classified as a Variant of Uncertain Significance.

NM_005228.5(EGFR):c.905C>A (p.Thr302Lys)

Gene: EGFR (epidermal growth factor receptor; plus strand). Cytogenetic location: 7p11.2.
Variant type: single nucleotide variant.
Coding change: c.905C>A on transcript NM_005228.5 (MANE Select); coding-DNA position 905, C replaced by A.
Protein change: p.Thr302Lys; replaces threonine 302 with lysine.
Molecular consequence: missense variant.
Genome position (GRCh38, 1-based): chr7:55,155,845, C>A. VCF-style: chr7-55155845-C-A. GRCh37 (hg19) VCF-style: chr7-55223538-C-A.
Other names: c.770C>A, p.Thr257Lys (NM_001346897.2, NM_001346899.2); c.905C>A, p.Thr302Lys (NM_001346898.2, NM_201282.2, NM_201283.2 and 1 more transcripts); c.746C>A, p.Thr249Lys (NM_001346900.2); c.104C>A, p.Thr35Lys (NM_001346941.2); short protein forms T249K, T257K, T35K, T302K.
Identifiers: ClinVar variation 3666355 (VCV003666355.2).